The following is an entry in ClinVar:

NM_001377.3(DYNC2H1):c.5558+4A>G

Gene: DYNC2H1 (dynein cytoplasmic 2 heavy chain 1; plus strand). Cytogenetic location: 11q22.3.
Variant type: single nucleotide variant.
Coding change: c.5558+4A>G on transcript NM_001377.3 (MANE Select); 4 bases into the intron after coding-DNA position 5558, A replaced by G.
Molecular consequence: intron variant.
Genome position (GRCh38, 1-based): chr11:103,173,309, A>G. VCF-style: chr11-103173309-A-G. GRCh37 (hg19) VCF-style: chr11-103044038-A-G.
Other names: p.?; c.5558+4A>G (NM_001080463.2).
Identifiers: ClinVar variation 302048 (VCV000302048.27), dbSNP rs11225578, ClinGen allele CA6253790.

ClinVar aggregate classification (germline): Benign/Likely benign. Review status: criteria provided, multiple submitters, no conflicts (2 of 4 stars). 10 submissions from 10 submitters: Benign (7); Likely benign (1). 2 of the submissions do not count toward it. Last evaluated 2026-02-04.

Conditions:
Jeune thoracic dystrophy. Also called: Jeune syndrome; Infantile thoracic dystrophy; Thoracic pelvic phalangeal dystrophy; Jeune's syndrome; Chondroectodermal dysplasia-like syndrome; Short-rib thoracic dysplasia. Identifiers: Orphanet 474, MedGen C0265275, MONDO:0018770.
Asphyxiating thoracic dystrophy 3. Also called: SHORT-RIB THORACIC DYSPLASIA 3 WITH OR WITHOUT POLYDACTYLY; POLYDACTYLY WITH NEONATAL CHONDRODYSTROPHY, TYPE I; SHORT-RIB THORACIC DYSPLASIA 3/6 WITH POLYDACTYLY, DIGENIC; Short rib polydactyly syndrome 2B; Saldino-Noonan Syndrome. Identifiers: Orphanet 474, Orphanet 93269, Orphanet 93270, Orphanet 93271, MedGen C0036069, MONDO:0013127, OMIM 613091.

Allele frequency attached by ClinVar (database versions not stated): TOPMed 0.08903; gnomAD 0.09042 and 0.09488; ESP Exome Variant Server 0.09202; gnomAD exomes 0.11549; 1000 Genomes Project 30x 0.12211; 1000 Genomes Project 0.12760; ExAC 0.13371.

Submissions (12):

Labcorp Genetics (formerly Invitae), Labcorp
Classification: Benign for Jeune thoracic dystrophy. Last evaluated: 2026-02-04. Review status: criteria provided, single submitter. Criteria: Invitae Variant Classification Sherloc (09022015). Collection method: clinical testing. Allele origin: germline.

Women's Health and Genetics/Laboratory Corporation of America, LabCorp
Classification: Benign. Last evaluated: 2026-01-08. Review status: criteria provided, single submitter. Criteria: LabCorp Variant Classification Summary - May 2015. Collection method: clinical testing. Allele origin: germline.
Comment: Variant summary: DYNC2H1 c.5558+4A>G alters a nucleotide located close to a canonical splice site and therefore could affect mRNA splicing, leading to a significantly altered protein sequence. Several computational tools predict a significant impact on normal splicing: Four predict the variant weakens a 5' donor site. However, these predictions have yet to be confirmed by functional studies. The variant allele was found at a frequency of 0.12 in 177376 control chromosomes in the gnomAD database, including 1354 homozygotes. The observed variant frequency exceeds the estimated maximal expected allele frequency for disease-causing variants in DYNC2H1. To our knowledge, no occurrence of c.5558+4A>G in individuals affected with DYNC2H1-related conditions and no experimental evidence demonstrating its impact on protein function have been reported. ClinVar contains an entry for this variant (Variation ID: 302048). Based on the evidence outlined above, the variant was classified as benign.

Blueprint Genetics
Classification: Benign. Last evaluated: 2024-11-27. Review status: criteria provided, single submitter. Criteria: ACMG Guidelines, 2015. Collection method: clinical testing. Allele origin: germline.

Mayo Clinic Laboratories, Mayo Clinic
Classification: Benign. Last evaluated: 2022-03-09. Review status: criteria provided, single submitter. Criteria: ACMG Guidelines, 2015. Collection method: clinical testing. Allele origin: germline. Observed: 16 variant alleles.

Illumina Laboratory Services, Illumina
Classification: Benign for Asphyxiating thoracic dystrophy 3. Last evaluated: 2018-01-12. Review status: criteria provided, single submitter. Criteria: ICSL Variant Classification Criteria 13 December 2019. Collection method: clinical testing. Allele origin: germline.
Comment: This variant was observed in the ICSL laboratory as part of a predisposition screen in an ostensibly healthy population. It had not been previously curated by ICSL or reported in the Human Gene Mutation Database (HGMD: prior to June 1st, 2018), and was therefore a candidate for classification through an automated scoring system. Utilizing variant allele frequency, disease prevalence and penetrance estimates, and inheritance mode, an automated score was calculated to assess if this variant is too frequent to cause the disease. Based on the score and internal cut-off values, a variant classified as benign is not then subjected to further curation. The score for this variant resulted in a classification of benign for this disease.

GeneDx
Classification: Benign. Last evaluated: 2016-05-06. Review status: criteria provided, single submitter. Criteria: GeneDx Variant Classification (06012015). Collection method: clinical testing. Allele origin: germline. Affected: yes.
Comment: This variant is considered likely benign or benign based on one or more of the following criteria: it is a conservative change, it occurs at a poorly conserved position in the protein, it is predicted to be benign by multiple in silico algorithms, and/or has population frequency not consistent with disease.

Laboratory for Molecular Medicine, Mass General Brigham Personalized Medicine
Classification: Benign. Last evaluated: 2016-03-28. Review status: criteria provided, single submitter. Criteria: LMM Criteria. Collection method: clinical testing. Allele origin: germline.
Comment: Variant identified in a genome or exome case(s) and assessed due to predicted null impact of the variant or pathogenic assertions in the literature or databases. Disclaimer: This variant has not undergone full assessment. The following are preliminary notes: Frequency

Breakthrough Genomics
Classification: Likely benign. Review status: criteria provided, single submitter. Criteria: ACMG Guidelines, 2015. Collection method: not provided. Allele origin: germline. Inheritance: Autosomal recessive inheritance. Affected: yes.

Clinical Genetics DNA and cytogenetics Diagnostics Lab, Erasmus MC, Erasmus Medical Center
Classification: Benign. Review status: no assertion criteria provided. Collection method: clinical testing. Allele origin: germline. Affected: yes. Study: VKGL Data-share Consensus. Not counted in ClinVar's aggregate classification.

Dr. Peter K. Rogan Lab, Western University
No classification provided (evidence only). Condition: Nonpapillary renal cell carcinoma. Review status: no classification provided. Collection method: in vitro. Allele origin: not applicable. Functional consequence: retained intron. Not counted in ClinVar's aggregate classification.

Dr. Peter K. Rogan Lab, Western University
No classification provided (evidence only). Condition: Nonpapillary renal cell carcinoma. Review status: no classification provided. Collection method: in vitro. Allele origin: not applicable. Functional consequence: retained intron. Not counted in ClinVar's aggregate classification.

Joint Genome Diagnostic Labs from Nijmegen and Maastricht, Radboudumc and MUMC+
Classification: Benign. Review status: no assertion criteria provided. Collection method: clinical testing. Allele origin: germline. Affected: yes. Study: VKGL Data-share Consensus. Not counted in ClinVar's aggregate classification.